The following is an entry in ClinVar:

ClinVar aggregate classification (germline): Uncertain significance (1 of 4 stars; one submission).

Allele frequency attached by ClinVar (database versions not stated): ExAC 0.00002; TOPMed 0.00003.
gnomAD v4.1: 13 of 1,607,686 alleles (0.00081%); highest among the groups gnomAD compares: Admixed American, 0.01%; no homozygotes.

Submission:

Labcorp Genetics (formerly Invitae), Labcorp
Classification: Uncertain significance. Last evaluated: 2022-08-19. Review status: criteria provided, single submitter. Criteria: Invitae Variant Classification Sherloc (09022015). Collection method: clinical testing. Allele origin: germline.
Comment: This sequence change replaces alanine, which is neutral and non-polar, with valine, which is neutral and non-polar, at codon 453 of the TELO2 protein (p.Ala453Val). This variant is present in population databases (rs774629694, gnomAD 0.009%). This variant has not been reported in the literature in individuals affected with TELO2-related conditions. Algorithms developed to predict the effect of missense changes on protein structure and function (SIFT, PolyPhen-2, Align-GVGD) all suggest that this variant is likely to be tolerated. Algorithms developed to predict the effect of sequence changes on RNA splicing suggest that this variant may disrupt the consensus splice site. In summary, the available evidence is currently insufficient to determine the role of this variant in disease. Therefore, it has been classified as a Variant of Uncertain Significance.

NM_016111.4(TELO2):c.1358C>T (p.Ala453Val)

Gene: TELO2 (telomere maintenance 2; plus strand). Cytogenetic location: 16p13.3.
Variant type: single nucleotide variant.
Coding change: c.1358C>T on transcript NM_016111.4 (MANE Select); coding-DNA position 1358, C replaced by T.
Protein change: p.Ala453Val; replaces alanine 453 with valine.
Molecular consequence: missense variant.
Genome position (GRCh38, 1-based): chr16:1,501,496, C>T. VCF-style: chr16-1501496-C-T. GRCh37 (hg19) VCF-style: chr16-1551497-C-T.
Other names: c.1358C>T, p.Ala453Val (NM_001351846.2); short protein forms A453V.
Identifiers: ClinVar variation 2146903 (VCV002146903.1), dbSNP rs774629694, ClinGen allele CA7812083.